The following is an entry in ClinVar:

NM_004304.5(ALK):c.4768G>C (p.Gly1590Arg)

Gene: ALK (ALK receptor tyrosine kinase; minus strand). Cytogenetic location: 2p23.2.
Variant type: single nucleotide variant.
Coding change: c.4768G>C on transcript NM_004304.5 (MANE Select); coding-DNA position 4768, G replaced by C.
Protein change: p.Gly1590Arg; replaces glycine 1590 with arginine.
Molecular consequence: missense variant.
Genome position (GRCh38, 1-based): chr2:29,193,319, C>G on the plus strand (G>C on the coding strand, the complement: ALK is on the minus strand). VCF-style: chr2-29193319-C-G. GRCh37 (hg19) VCF-style: chr2-29416185-C-G.
Other names: c.1564G>C, p.Gly522Arg (NM_001353765.2); short protein forms G1590R, G522R.
Identifiers: ClinVar variation 862353 (VCV000862353.12), dbSNP rs190639819, ClinGen allele CA346460283.

ClinVar aggregate classification (germline): Uncertain significance. Review status: criteria provided, multiple submitters, no conflicts (2 of 4 stars). 2 submissions from 2 submitters: Uncertain significance (2). Last evaluated 2025-01-21.

Conditions:
Hereditary cancer-predisposing syndrome. Also called: Tumor predisposition; Hereditary Cancer Syndrome; Neoplastic Syndromes, Hereditary; Hereditary neoplastic syndrome. Identifiers: Orphanet 140162, MedGen C0027672, MeSH D009386, MONDO:0015356.
Neuroblastoma, susceptibility to, 3. Also called: ALK-Related Neuroblastic Tumor Susceptibility. Identifiers: Orphanet 635, MedGen C2751681, MONDO:0013083, OMIM 613014.

gnomAD v4.1: 1 of 1,614,128 alleles (0.000062%); highest among the groups gnomAD compares: Non-Finnish European, 0.000085%; no homozygotes.

Submissions (2):

Ambry Genetics
Classification: Uncertain significance for Hereditary cancer-predisposing syndrome. Last evaluated: 2025-01-21. Review status: criteria provided, single submitter. Criteria: Ambry Variant Classification Scheme 2023. Collection method: clinical testing. Allele origin: germline.

Labcorp Genetics (formerly Invitae), Labcorp
Classification: Uncertain significance for Neuroblastoma, susceptibility to, 3. Last evaluated: 2019-01-07. Review status: criteria provided, single submitter. Criteria: Invitae Variant Classification Sherloc (09022015). Collection method: clinical testing. Allele origin: germline.
Comment: In summary, the available evidence is currently insufficient to determine the role of this variant in disease. Therefore, it has been classified as a Variant of Uncertain Significance. Algorithms developed to predict the effect of missense changes on protein structure and function (SIFT, PolyPhen-2, Align-GVGD) all suggest that this variant is likely to be disruptive, but these predictions have not been confirmed by published functional studies and their clinical significance is uncertain. This variant has not been reported in the literature in individuals with ALK-related conditions. This variant is not present in population databases (ExAC no frequency). This sequence change replaces glycine with arginine at codon 1590 of the ALK protein (p.Gly1590Arg). The glycine residue is highly conserved and there is a moderate physicochemical difference between glycine and arginine.